The following is an entry in ClinVar:

ClinVar aggregate classification (germline): Uncertain significance (1 of 4 stars; one submission).

Allele frequency attached by ClinVar (database versions not stated): gnomAD 0.00001.
gnomAD v4.1: 1 of 1,612,144 alleles (0.000062%); highest among the groups gnomAD compares: South Asian, 0.0011%; no homozygotes.

Submission:

Labcorp Genetics (formerly Invitae), Labcorp
Classification: Uncertain significance. Last evaluated: 2026-01-11. Review status: criteria provided, single submitter. Criteria: Invitae Variant Classification Sherloc (09022015). Collection method: clinical testing. Allele origin: germline.
Comment: This sequence change replaces isoleucine, which is neutral and non-polar, with asparagine, which is neutral and polar, at codon 605 of the ERCC3 protein (p.Ile605Asn). This variant is not present in population databases (gnomAD no frequency). This variant has not been reported in the literature in individuals affected with ERCC3-related conditions. ClinVar contains an entry for this variant (Variation ID: 1504615). Invitae Evidence Modeling of protein sequence and biophysical properties (such as structural, functional, and spatial information, amino acid conservation, physicochemical variation, residue mobility, and thermodynamic stability) indicates that this missense variant is expected to disrupt ERCC3 protein function with a positive predictive value of 80%. In summary, the available evidence is currently insufficient to determine the role of this variant in disease. Therefore, it has been classified as a Variant of Uncertain Significance.

NM_000122.2(ERCC3):c.1814T>A (p.Ile605Asn)

Gene: ERCC3 (ERCC excision repair 3, TFIIH core complex helicase subunit; minus strand). Cytogenetic location: 2q14.3.
Variant type: single nucleotide variant.
Coding change: c.1814T>A on transcript NM_000122.2 (MANE Select); coding-DNA position 1814, T replaced by A.
Protein change: p.Ile605Asn; replaces isoleucine 605 with asparagine.
Molecular consequence: missense variant.
Genome position (GRCh38, 1-based): chr2:127,272,878, A>T on the plus strand (T>A on the coding strand, the complement: ERCC3 is on the minus strand). VCF-style: chr2-127272878-A-T. GRCh37 (hg19) VCF-style: chr2-128030454-A-T.
Other names: c.1622T>A, p.Ile541Asn (NM_001303416.2, NM_001303418.2); short protein forms I541N, I605N.
Identifiers: ClinVar variation 1504615 (VCV001504615.6), dbSNP rs1684605612, ClinGen allele CA348387732.